The following is an entry in ClinVar:

NM_001042492.3(NF1):c.799T>G (p.Trp267Gly)

Gene: NF1 (neurofibromin 1; plus strand). Cytogenetic location: 17q11.2.
Variant type: single nucleotide variant.
Coding change: c.799T>G on transcript NM_001042492.3 (MANE Select); coding-DNA position 799, T replaced by G.
Protein change: p.Trp267Gly; replaces tryptophan 267 with glycine.
Molecular consequence: missense variant.
Genome position (GRCh38, 1-based): chr17:31,182,576, T>G. VCF-style: chr17-31182576-T-G. GRCh37 (hg19) VCF-style: chr17-29509594-T-G.
Other names: c.799T>G, p.Trp267Gly (NM_000267.4, NM_001128147.3); short protein forms W267G.
Identifiers: ClinVar variation 3237969 (VCV003237969.1), dbSNP rs2544753590.

ClinVar aggregate classification (germline): Uncertain significance (1 of 4 stars; one submission).

Conditions:
Hereditary cancer-predisposing syndrome. Also called: Neoplastic Syndromes, Hereditary; Tumor predisposition; Hereditary neoplastic syndrome; Hereditary Cancer Syndrome. Identifiers: Orphanet 140162, MedGen C0027672, MeSH D009386, MONDO:0015356.
Cardiovascular phenotype. Identifiers: MedGen CN230736.

Submission:

Ambry Genetics
Classification: Uncertain significance for Cardiovascular phenotype; Hereditary cancer-predisposing syndrome. Last evaluated: 2023-03-16. Review status: criteria provided, single submitter. Criteria: Ambry Variant Classification Scheme 2023. Collection method: clinical testing. Allele origin: germline.
Comment: The p.W267G variant (also known as c.799T>G), located in coding exon 8 of the NF1 gene, results from a T to G substitution at nucleotide position 799. The tryptophan at codon 267 is replaced by glycine, an amino acid with highly dissimilar properties. This amino acid position is conserved. In addition, this alteration is predicted to be deleterious by in silico analysis. Since supporting evidence is limited at this time, the clinical significance of this alteration remains unclear.